The following is an entry in ClinVar:

NM_005216.5(DDOST):c.315C>T (p.Gly105=)

Gene: DDOST (dolichyl-diphosphooligosaccharide--protein glycosyltransferase non-catalytic subunit; minus strand). Cytogenetic location: 1p36.12.
Variant type: single nucleotide variant.
Coding change: c.315C>T on transcript NM_005216.5 (MANE Select); coding-DNA position 315, C replaced by T.
Protein change: p.Gly105=; no amino-acid change (glycine 105 retained).
Molecular consequence: synonymous variant.
Genome position (GRCh38, 1-based): chr1:20,656,138, G>A on the plus strand (C>T on the coding strand, the complement: DDOST is on the minus strand). VCF-style: chr1-20656138-G-A. GRCh37 (hg19) VCF-style: chr1-20982631-G-A.
Other names: p.Gly122=.
Identifiers: ClinVar variation 295156 (VCV000295156.19), dbSNP rs4704, ClinGen allele CA661292.
Genomic context (GRCh38, chr1:20,656,138, plus strand): 5'-AGAACCTCCCAGGTCGGACTCACCAATGTCGGAGCTGGCAGCTACCAGCACACTGCCTCC[G>A]CCGTCAATAAAGGCACTGATGGTCTCCACGTTGATGTTGCCTCCAAAATCTGAAAGCAGG-3'
Protein context (NP_005207.3, residues 95-115): NVETISAFID[Gly105=]GGSVLVAASS

ClinVar aggregate classification (germline): Benign. Review status: criteria provided, multiple submitters, no conflicts (2 of 4 stars). 5 submissions from 5 submitters: Benign (5). Last evaluated 2026-02-03.

Conditions:
Congenital disorder of glycosylation type Ir (CDG1R). Also called: DDOST-congenital disorder of glycosylation. Identifiers: Orphanet 300536, MedGen C3281084, MONDO:0013789, OMIM 614507.

Allele frequency attached by ClinVar (database versions not stated): gnomAD exomes 0.57982; ExAC 0.58439; 1000 Genomes Project 0.58726; 1000 Genomes Project 30x 0.59244; gnomAD 0.62650 and 0.63408; TOPMed 0.62783; ESP Exome Variant Server 0.65024.
gnomAD v4.1: 964,335 of 1,613,332 alleles (60%); highest among the groups gnomAD compares: African/African-American, 73%; 291,224 homozygotes.

Submissions (6):

Labcorp Genetics (formerly Invitae), Labcorp
Classification: Benign for Congenital disorder of glycosylation type Ir. Last evaluated: 2026-02-03. Review status: criteria provided, single submitter. Criteria: Invitae Variant Classification Sherloc (09022015). Collection method: clinical testing. Allele origin: germline.

Genome-Nilou Lab
Classification: Benign for Congenital disorder of glycosylation type Ir. Last evaluated: 2021-07-30. Review status: criteria provided, single submitter. Criteria: ACMG Guidelines, 2015. Collection method: clinical testing. Allele origin: germline. Affected: no.

Mayo Clinic Laboratories, Mayo Clinic
Classification: Benign. Last evaluated: 2018-09-25. Review status: criteria provided, single submitter. Criteria: ACMG Guidelines, 2015. Collection method: clinical testing. Allele origin: germline. Observed: 39 variant alleles.

GeneDx
Classification: Benign. Last evaluated: 2015-12-02. Review status: criteria provided, single submitter. Criteria: GeneDx Variant Classification (06012015). Collection method: clinical testing. Allele origin: germline. Affected: yes.
Comment: This variant is considered likely benign or benign based on one or more of the following criteria: it is a conservative change, it occurs at a poorly conserved position in the protein, it is predicted to be benign by multiple in silico algorithms, and/or has population frequency not consistent with disease.

Breakthrough Genomics
Classification: Benign. Review status: criteria provided, single submitter. Criteria: ACMG Guidelines, 2015. Collection method: not provided. Allele origin: germline. Inheritance: Autosomal recessive inheritance. Affected: yes.

Dr. Peter K. Rogan Lab, Western University
No classification provided (evidence only). Condition: Familial cancer of breast. Review status: no classification provided. Collection method: in vitro. Allele origin: not applicable. Functional consequence: retained intron. Not counted in ClinVar's aggregate classification.